The following is an entry in ClinVar:

ClinVar aggregate classification (germline): Uncertain significance (1 of 4 stars; one submission).

Conditions:
Autosomal recessive limb-girdle muscular dystrophy type 2Q (LGMDR17). Also called: MUSCULAR DYSTROPHY, LIMB-GIRDLE, AUTOSOMAL RECESSIVE 17. Identifiers: Orphanet 254361, MedGen C3150989, MONDO:0013390, OMIM 613723.
Epidermolysis bullosa simplex, Ogna type (EBS5A). Also called: Pidermolysis bullosa simplex 5A, Ogna type; EPIDERMOLYSIS BULLOSA SIMPLEX 5A, OGNA TYPE. Identifiers: Orphanet 79401, MedGen C0432317, MONDO:0007555, OMIM 131950.
Epidermolysis bullosa simplex 5B, with muscular dystrophy (EBS5B). Also called: EPIDERMOLYSIS BULLOSA SIMPLEX AND LIMB-GIRDLE MUSCULAR DYSTROPHY; Epidermolysis bullosa simplex with muscular dystrophy. Identifiers: Orphanet 257, MedGen C2931072, MONDO:0009181, OMIM 226670.
Epidermolysis bullosa simplex 5C, with pyloric atresia (EBS5C). Also called: Epidermolysis bullosa simplex with pyloric atresia; PLEC-Related Epidermolysis Bullosa with Pyloric Atresia; PLEC1-Related Epidermolysis Bullosa with Pyloric Atresia. Identifiers: Orphanet 158684, MedGen C2677349, MONDO:0012807, OMIM 612138.
Epidermolysis bullosa simplex with nail dystrophy (EBS5D). Identifiers: MedGen C4225309, MONDO:0014661, OMIM 616487.

Allele frequency attached by ClinVar (database versions not stated): gnomAD 0.00001; TOPMed 0.00002; gnomAD exomes 0.00003.
gnomAD v4.1: 18 of 1,574,416 alleles (0.0011%); highest among the groups gnomAD compares: East Asian, 0.0092%; no homozygotes.

Submission:

Labcorp Genetics (formerly Invitae), Labcorp
Classification: Uncertain significance for Autosomal recessive limb-girdle muscular dystrophy type 2Q; Epidermolysis bullosa simplex, Ogna type; Epidermolysis bullosa simplex with nail dystrophy; Epidermolysis bullosa simplex 5C, with pyloric atresia; Epidermolysis bullosa simplex 5B, with muscular dystrophy. Last evaluated: 2024-01-17. Review status: criteria provided, single submitter. Criteria: Invitae Variant Classification Sherloc (09022015). Collection method: clinical testing. Allele origin: germline.
Comment: This sequence change replaces alanine, which is neutral and non-polar, with threonine, which is neutral and polar, at codon 1610 of the PLEC protein (p.Ala1610Thr). The frequency data for this variant in the population databases is considered unreliable, as metrics indicate poor data quality at this position in the gnomAD database. This variant has not been reported in the literature in individuals affected with PLEC-related conditions. ClinVar contains an entry for this variant (Variation ID: 1509782). Experimental studies and prediction algorithms are not available or were not evaluated, and the functional significance of this variant is currently unknown. In summary, the available evidence is currently insufficient to determine the role of this variant in disease. Therefore, it has been classified as a Variant of Uncertain Significance.

NM_201384.3(PLEC):c.4747G>A (p.Ala1583Thr)

Gene: PLEC (plectin; minus strand). Cytogenetic location: 8q24.3.
Variant type: single nucleotide variant.
Coding change: c.4747G>A on transcript NM_201384.3 (MANE Select); coding-DNA position 4747, G replaced by A.
Protein change: p.Ala1583Thr; replaces alanine 1583 with threonine.
Molecular consequence: missense variant.
Genome position (GRCh38, 1-based): chr8:143,925,182, C>T on the plus strand (G>A on the coding strand, the complement: PLEC is on the minus strand). VCF-style: chr8-143925182-C-T. GRCh37 (hg19) VCF-style: chr8-144999350-C-T.
Other names: c.4828G>A, p.Ala1610Thr (NM_000445.5); c.4705G>A, p.Ala1569Thr (NM_201378.4); c.4681G>A, p.Ala1561Thr (NM_201379.3); c.5158G>A, p.Ala1720Thr (NM_201380.4); c.4651G>A, p.Ala1551Thr (NM_201381.3); c.4747G>A, p.Ala1583Thr (NM_201382.4); c.4759G>A, p.Ala1587Thr (NM_201383.3); short protein forms A1551T, A1610T, A1720T, A1583T, A1587T, A1561T, A1569T.
Identifiers: ClinVar variation 1509782 (VCV001509782.8), dbSNP rs981516995, ClinGen allele CA372553429.